The following is an entry in ClinVar:

ClinVar aggregate classification (germline): Uncertain significance (1 of 4 stars; one submission).

Conditions:
Adenylosuccinate lyase deficiency (ADSLD). Also called: ADSL DEFICIENCY. Identifiers: Orphanet 46, MedGen C0268126, MONDO:0007068, OMIM 103050.

Allele frequency attached by ClinVar (database versions not stated): gnomAD 0.00001 and 0.00002; TOPMed 0.00001.
gnomAD v4.1: 3 of 1,608,998 alleles (0.00019%); highest among the groups gnomAD compares: African/African-American, 0.004%; no homozygotes.

Submission:

Labcorp Genetics (formerly Invitae), Labcorp
Classification: Uncertain significance for Adenylosuccinate lyase deficiency. Last evaluated: 2022-03-19. Review status: criteria provided, single submitter. Criteria: Invitae Variant Classification Sherloc (09022015). Collection method: clinical testing. Allele origin: germline.
Comment: This sequence change replaces leucine, which is neutral and non-polar, with phenylalanine, which is neutral and non-polar, at codon 17 of the ADSL protein (p.Leu17Phe). This variant is not present in population databases (gnomAD no frequency). This variant has not been reported in the literature in individuals affected with ADSL-related conditions. ClinVar contains an entry for this variant (Variation ID: 964593). Advanced modeling of protein sequence and biophysical properties (such as structural, functional, and spatial information, amino acid conservation, physicochemical variation, residue mobility, and thermodynamic stability) performed at Invitae indicates that this missense variant is expected to disrupt ADSL protein function. In summary, the available evidence is currently insufficient to determine the role of this variant in disease. Therefore, it has been classified as a Variant of Uncertain Significance.

NM_000026.4(ADSL):c.49C>T (p.Leu17Phe)

Gene: ADSL (adenylosuccinate lyase; plus strand). Cytogenetic location: 22q13.1.
Variant type: single nucleotide variant.
Coding change: c.49C>T on transcript NM_000026.4 (MANE Select); coding-DNA position 49, C replaced by T.
Protein change: p.Leu17Phe; replaces leucine 17 with phenylalanine.
Molecular consequence: missense variant. On other transcripts: 5 prime UTR variant (1), non-coding transcript variant (1).
Genome position (GRCh38, 1-based): chr22:40,346,607, C>T. VCF-style: chr22-40346607-C-T. GRCh37 (hg19) VCF-style: chr22-40742611-C-T.
Other names: c.49C>T, p.Leu17Phe (NM_001123378.3, NM_001363840.3); c.-89C>T (NM_001317923.2); short protein forms L17F.
Identifiers: ClinVar variation 964593 (VCV000964593.7), dbSNP rs1262658484, ClinGen allele CA411632647.